The following is an entry in ClinVar:

ClinVar aggregate classification (germline): Uncertain significance (1 of 4 stars; one submission).

gnomAD v4.1: 1 of 1,614,148 alleles (0.000062%); highest among the groups gnomAD compares: Non-Finnish European, 0.000085%; no homozygotes.

Submission:

OLLIN Analises Genomicas, OLLIN
Classification: Uncertain significance. Last evaluated: 2026-08-06. Review status: criteria provided, single submitter. Criteria: ACMG Guidelines 2015 PMID 25741868. Collection method: clinical testing. Allele origin: germline.
Comment: This missense variant, located in exon 2 (of 14), has been observed in gnomAD with an allele frequency of 0.000062%, but has not been reported in ClinVar or identified in the literature. In silico analysis predicts that this variant has a tolerated effect. According to the currently available evidence, this variant has been classified as uncertain significance (PM2_P, BP4_M).

NM_007317.3(KIF22):c.121C>G (p.Pro41Ala)

Gene: KIF22 (kinesin family member 22; plus strand). Cytogenetic location: 16p11.2.
Variant type: single nucleotide variant.
Coding change: c.121C>G on transcript NM_007317.3 (MANE Select); coding-DNA position 121, C replaced by G.
Protein change: p.Pro41Ala; replaces proline 41 with alanine.
Molecular consequence: missense variant. On other transcripts: 5 prime UTR variant (2).
Genome position (GRCh38, 1-based): chr16:29,796,943, C>G. VCF-style: chr16-29796943-C-G. GRCh37 (hg19) VCF-style: chr16-29808264-C-G.
Other names: c.-84C>G (NM_001256269.2, NM_001256270.1); short protein forms P41A.
Identifiers: ClinVar variation 5002661 (VCV005002661.1).
Genomic context (GRCh38, chr16:29,796,943, plus strand): 5'-TCTCCTCCAGGAGCTGGTCGCTGTCGGCTAAGCAAGATTGGAGCTACTCGTCGTCCACCT[C>G]CAGCTCGCGTAAGGGTGGCTGTGCGACTGCGGCCATTTGTGGATGGAACAGCGGGAGCAA-3'
Protein context (NP_015556.1, residues 31-51): SKIGATRRPP[Pro41Ala]ARVRVAVRLR